The following is an entry in ClinVar:

NM_001048174.2(MUTYH):c.1080_1081delinsAT (p.Leu360_Leu361=)

Gene: MUTYH (mutY DNA glycosylase; minus strand). Cytogenetic location: 1p34.1.
Variant type: Indel.
Coding change: c.1080_1081delinsAT on transcript NM_001048174.2 (MANE Select); coding-DNA positions 1080 to 1081, GC replaced by AT.
Protein change: p.Leu360_Leu361=.
Molecular consequence: synonymous variant. On other transcripts: non-coding transcript variant (7).
Genome position (GRCh38, 1-based): chr1:45,331,682-45,331,683, GC replaced by AT on the plus strand (GC replaced by AT on the coding strand, the reverse complement: MUTYH is on the minus strand). VCF-style: chr1-45331682-GC-AT. GRCh37 (hg19) VCF-style: chr1-45797354-GC-AT.
Other names: c.1080_1081delinsAT, p.Leu360_Leu361= (NM_001048171.2, NM_001048173.2, NM_001293195.2 and 6 more transcripts); c.1083_1084delinsAT, p.Leu361_Leu362= (NM_001048172.2, NM_001407071.1, NM_001407078.1 and 1 more transcripts); c.1164_1165delinsAT, p.Leu388_Leu389= (NM_001128425.2); c.1125_1126delinsAT, p.Leu375_Leu376= (NM_001293190.2); c.1113_1114delinsAT, p.Leu371_Leu372= (NM_001293191.2, NM_001407069.1, NM_001407077.1); c.804_805delinsAT, p.Leu268_Leu269= (NM_001293192.2, NM_001293196.2, NM_001407091.1); c.735_736delinsAT, p.Leu245_Leu246= (NM_001350650.2, NM_001350651.2, NM_001407082.1); c.996_997delinsAT, p.Leu332_Leu333= (NM_001407075.1); and 5 more.
Identifiers: ClinVar variation 492001 (VCV000492001.16), dbSNP rs1553126326, ClinGen allele CA658683144.

ClinVar aggregate classification (germline): Likely benign. Review status: criteria provided, multiple submitters, no conflicts (2 of 4 stars). 4 submissions from 4 submitters: Likely benign (4). Last evaluated 2025-10-22.

Conditions:
Hereditary cancer-predisposing syndrome. Also called: Hereditary neoplastic syndrome; Hereditary Cancer Syndrome; Neoplastic Syndromes, Hereditary; Tumor predisposition. Identifiers: Orphanet 140162, MedGen C0027672, MeSH D009386, MONDO:0015356.
Familial adenomatous polyposis 2. Also called: MYH-associated polyposis; COLORECTAL ADENOMATOUS POLYPOSIS, AUTOSOMAL RECESSIVE; ADENOMAS, MULTIPLE COLORECTAL, AUTOSOMAL RECESSIVE; MUTYH-related attenuated familial adenomatous polyposis; Adenomas, multiple colorectal; FAP type 2. Identifiers: Orphanet 220460, Orphanet 247798, MedGen C3272841, MONDO:0012041, OMIM 608456.

Submissions (4):

Labcorp Genetics (formerly Invitae), Labcorp
Classification: Likely benign for Familial adenomatous polyposis 2. Last evaluated: 2025-10-22. Review status: criteria provided, single submitter. Criteria: Invitae Variant Classification Sherloc (09022015). Collection method: clinical testing. Allele origin: germline.

Women's Health and Genetics/Laboratory Corporation of America, LabCorp
Classification: Likely benign. Last evaluated: 2024-12-10. Review status: criteria provided, single submitter. Criteria: LabCorp Variant Classification Summary - May 2015. Collection method: clinical testing. Allele origin: germline.
Comment: Variant summary: MUTYH c.1164_1165delinsAT results in a synonymous change. Consensus agreement among computation tools predict no significant impact on normal splicing. However, these predictions have yet to be confirmed by functional studies. The variant allele was found at a frequency of 3.7e-06 in 1614004 control chromosomes. The available data on variant occurrences in the general population are insufficient to allow any conclusion about variant significance. ClinVar contains an entry for this variant (Variation ID: 492001). Based on the evidence outlined above, the variant was classified as likely benign.

Ambry Genetics
Classification: Likely benign for Hereditary cancer-predisposing syndrome. Last evaluated: 2023-04-13. Review status: criteria provided, single submitter. Criteria: Ambry Variant Classification Scheme 2023. Collection method: clinical testing. Allele origin: germline.

Color Diagnostics, LLC DBA Color Health
Classification: Likely benign for Hereditary cancer-predisposing syndrome. Last evaluated: 2017-04-03. Review status: criteria provided, single submitter. Criteria: ACMG Guidelines, 2015. Collection method: clinical testing. Allele origin: germline.